The following is an entry in ClinVar:

NM_001903.5(CTNNA1):c.732dup (p.Tyr245fs)

Gene: CTNNA1 (catenin alpha 1; plus strand). Cytogenetic location: 5q31.2.
Variant type: Duplication.
Coding change: c.732dup on transcript NM_001903.5 (MANE Select); coding-DNA position 732, one base duplicated (A; older notation c.732dupA).
Protein change: p.Tyr245fs; shifts the reading frame from tyrosine 245.
Molecular consequence: frameshift variant.
Genome position (GRCh38, 1-based): chr5:138,824,673, A duplicated. VCF-style (leftmost placement, unchanged base first): chr5-138824672-T-TA. GRCh37 (hg19) VCF-style: chr5-138160361-T-TA.
Other names: c.732dup, p.Tyr245fs (NM_001290307.3, NM_001323982.2, NM_001323983.1 and 3 more transcripts); c.423dup, p.Tyr142fs (NM_001290309.3); c.363dup, p.Tyr122fs (NM_001290310.3); short protein forms Y122fs, Y142fs, Y245fs.
Identifiers: ClinVar variation 2024485 (VCV002024485.4), dbSNP rs2532425006, ClinGen allele CA2580072892.

ClinVar aggregate classification (germline): Pathogenic (1 of 4 stars; one submission).

Submission:

Labcorp Genetics (formerly Invitae), Labcorp
Classification: Pathogenic. Last evaluated: 2023-05-15. Review status: criteria provided, single submitter. Criteria: Invitae Variant Classification Sherloc (09022015). Collection method: clinical testing. Allele origin: germline.
Comment: For these reasons, this variant has been classified as Pathogenic. This sequence change creates a premature translational stop signal (p.Tyr245Ilefs*40) in the CTNNA1 gene. It is expected to result in an absent or disrupted protein product. Loss-of-function variants in CTNNA1 are known to be pathogenic (PMID: 32051609, 34425242). This variant is not present in population databases (gnomAD no frequency). This variant has not been reported in the literature in individuals affected with CTNNA1-related conditions. ClinVar contains an entry for this variant (Variation ID: 2024485).

Literature cited by the submitters: PubMed 32051609; PubMed 34425242.